The following is an entry in ClinVar:

ClinVar aggregate classification (germline): Uncertain significance (1 of 4 stars; one submission).

Conditions:
Muscular dystrophy-dystroglycanopathy (congenital with brain and eye anomalies), type A14. Also called: WALKER-WARBURG SYNDROME OR MUSCLE-EYE-BRAIN DISEASE, GMPPB-RELATED; Muscular dystrophy-dystroglycanopathy (congenital with brain and eye anomalies), type a, 14; Congenital Muscular Dystrophy-Dystroglycanopathy with Brain and Eye Anomalies Type A 14; Congenital muscular dystrophy-dystroglycanopathy with brain and eye anomalies, type A14. Identifiers: Orphanet 588, MedGen C3809216, MONDO:0014140, OMIM 615350.
Muscular dystrophy-dystroglycanopathy (congenital with impaired intellectual development), type B, 14. Also called: MUSCULAR DYSTROPHY, CONGENITAL, GMPPB-RELATED; Congenital muscular dystrophy-dystroglycanopathy with mental retardation, type B14; Muscular dystrophy-dystroglycanopathy (congenital with intellectual disability), type B14. Identifiers: MedGen C3809221, MONDO:0014141, OMIM 615351.
Autosomal recessive limb-girdle muscular dystrophy type 2T. Also called: MUSCULAR DYSTROPHY-DYSTROGLYCANOPATHY, LIMB-GIRDLE, GMPPB-RELATED; MUSCULAR DYSTROPHY, LIMB-GIRDLE, TYPE 2T; Muscular dystrophy-dystroglycanopathy (limb-girdle), type c, 14; Limb-girdle muscular dystrophy-dystroglycanopathy, type C14. Identifiers: Orphanet 363623, MedGen C4518000, MONDO:0014142, OMIM 615352.

Submission:

Juno Genomics, Hangzhou Juno Genomics, Inc
Classification: Uncertain significance for Muscular dystrophy-dystroglycanopathy (congenital with impaired intellectual development), type B, 14; Muscular dystrophy-dystroglycanopathy (congenital with brain and eye anomalies), type A14; Autosomal recessive limb-girdle muscular dystrophy type 2T. Review status: criteria provided, single submitter. Criteria: ACMG Guidelines, 2015. Collection method: clinical testing. Allele origin: germline.
Comment: Absent from controls (or at extremely low frequency if recessive) in Genome Aggregation Database.;Multiple lines of computational evidence support a deleterious effect on the gene or gene product.

NM_021971.4(GMPPB):c.31G>A (p.Gly11Arg)

Gene: GMPPB (GDP-mannose pyrophosphorylase B; minus strand). Cytogenetic location: 3p21.31.
Variant type: single nucleotide variant.
Coding change: c.31G>A on transcript NM_021971.4 (MANE Select); coding-DNA position 31, G replaced by A.
Protein change: p.Gly11Arg; replaces glycine 11 with arginine.
Molecular consequence: missense variant.
Genome position (GRCh38, 1-based): chr3:49,723,696, C>T on the plus strand (G>A on the coding strand, the complement: GMPPB is on the minus strand). VCF-style: chr3-49723696-C-T. GRCh37 (hg19) VCF-style: chr3-49761129-C-T.
Other names: c.31G>A, p.Gly11Arg (NM_013334.4); short protein forms G11R.
Identifiers: ClinVar variation 5006649 (VCV005006649.2).